The following is an entry in ClinVar:

ClinVar aggregate classification (germline): Uncertain significance (1 of 4 stars; one submission).

Conditions:
Congenital contractural arachnodactyly (CCA). Also called: Beals-Hecht syndrome; Arthrogryposis, distal, type 9; BEALS SYNDROME. Identifiers: Orphanet 115, MedGen C0220668, MONDO:0007363, OMIM 121050.

Allele frequency attached by ClinVar (database versions not stated): gnomAD exomes below 0.00001.

Submission:

Labcorp Genetics (formerly Invitae), Labcorp
Classification: Uncertain significance for Congenital contractural arachnodactyly. Last evaluated: 2025-12-24. Review status: criteria provided, single submitter. Criteria: Invitae Variant Classification Sherloc (09022015). Collection method: clinical testing. Allele origin: germline.
Comment: This sequence change replaces isoleucine, which is neutral and non-polar, with valine, which is neutral and non-polar, at codon 1400 of the FBN2 protein (p.Ile1400Val). This variant is not present in population databases (gnomAD no frequency). This variant has not been reported in the literature in individuals affected with FBN2-related conditions. ClinVar contains an entry for this variant (Variation ID: 1000804). Invitae Evidence Modeling of protein sequence and biophysical properties (such as structural, functional, and spatial information, amino acid conservation, physicochemical variation, residue mobility, and thermodynamic stability) indicates that this missense variant is not expected to disrupt FBN2 protein function with a negative predictive value of 80%. In summary, the available evidence is currently insufficient to determine the role of this variant in disease. Therefore, it has been classified as a Variant of Uncertain Significance.

NM_001999.4(FBN2):c.4198A>G (p.Ile1400Val)

Gene: FBN2 (fibrillin 2; minus strand). Cytogenetic location: 5q23.3.
Variant type: single nucleotide variant.
Coding change: c.4198A>G on transcript NM_001999.4 (MANE Select); coding-DNA position 4198, A replaced by G.
Protein change: p.Ile1400Val; replaces isoleucine 1400 with valine.
Molecular consequence: missense variant.
Genome position (GRCh38, 1-based): chr5:128,332,936, T>C on the plus strand (A>G on the coding strand, the complement: FBN2 is on the minus strand). VCF-style: chr5-128332936-T-C. GRCh37 (hg19) VCF-style: chr5-127668628-T-C.
Other names: short protein forms I1400V.
Identifiers: ClinVar variation 1000804 (VCV001000804.9), dbSNP rs1750732608, ClinGen allele CA360754730.
Genomic context (GRCh38, chr5:128,332,936, plus strand): 5'-TGCCTTAGCAAAGGATATTTACATTTGCAAACTCACCAATACACTTGATGCCGTTTCCAA[T>C]CCAGCCTTCTCTGCAGCTACACTTGAAGCTTCCTGGGATATTCAGACATGAGGCATGCAT-3'
Protein context (NP_001990.2, residues 1390-1410): SFKCSCREGW[Ile1400Val]GNGIKCIDLD